The following is an entry in ClinVar:

NM_001261826.3(AP3D1):c.2767G>A (p.Glu923Lys)

Gene: AP3D1 (adaptor related protein complex 3 subunit delta 1; minus strand). Cytogenetic location: 19p13.3.
Variant type: single nucleotide variant.
Coding change: c.2767G>A on transcript NM_001261826.3 (MANE Select); coding-DNA position 2767, G replaced by A.
Protein change: p.Glu923Lys; replaces glutamic acid 923 with lysine.
Molecular consequence: missense variant. On other transcripts: intron variant (1).
Genome position (GRCh38, 1-based): chr19:2,112,880, C>T on the plus strand (G>A on the coding strand, the complement: AP3D1 is on the minus strand). VCF-style: chr19-2112880-C-T. GRCh37 (hg19) VCF-style: chr19-2112879-C-T.
Other names: c.2731G>A, p.Glu911Lys (NM_001374799.1); c.2602-1052G>A (NM_003938.8); short protein forms E911K, E923K.
Identifiers: ClinVar variation 4780841 (VCV004780841.1).
Genomic context (GRCh38, chr19:2,112,880, plus strand): 5'-ATGCAGCCCTCCACAGCCCCTGGGGGAGTGACAGCCTCACCTTGTCCTGGTCTTGCCCCT[C>T]GGCATCGTCCTCCTCGCCCTGCGCCTCCGTCTTGGCGTCCTCACACTCGTCCTTCGGGGT-3'
Protein context (NP_001248755.1, residues 913-933): TEAQGEEDDA[Glu923Lys]GQDQDKKSPK

ClinVar aggregate classification (germline): Uncertain significance (1 of 4 stars; one submission).

gnomAD v4.1: 9 of 1,612,330 alleles (0.00056%); highest among the groups gnomAD compares: African/African-American, 0.0027%; no homozygotes.

Submission:

Labcorp Genetics (formerly Invitae), Labcorp
Classification: Uncertain significance. Last evaluated: 2025-02-23. Review status: criteria provided, single submitter. Criteria: Invitae Variant Classification Sherloc (09022015). Collection method: clinical testing. Allele origin: germline.
Comment: This sequence change replaces glutamic acid, which is acidic and polar, with lysine, which is basic and polar, at codon 923 of the AP3D1 protein (p.Glu923Lys). The frequency data for this variant in the population databases is considered unreliable, as metrics indicate poor data quality at this position in the gnomAD database. This variant has not been reported in the literature in individuals affected with AP3D1-related conditions. An algorithm developed to predict the effect of missense changes on protein structure and function (PolyPhen-2) suggests that this variant is likely to be tolerated. In summary, the available evidence is currently insufficient to determine the role of this variant in disease. Therefore, it has been classified as a Variant of Uncertain Significance.